The following is an entry in ClinVar:

ClinVar aggregate classification (germline): Uncertain significance (1 of 4 stars; one submission).

Conditions:
Hereditary spastic paraplegia 4. Also called: Spastic paraplegia 4, autosomal dominant; Spastic Paraplegia 4; Familial spastic paraplegia autosomal dominant 2. Identifiers: Orphanet 100985, MedGen C1866855, MONDO:0008438, OMIM 182601.

Submission:

Labcorp Genetics (formerly Invitae), Labcorp
Classification: Uncertain significance for Hereditary spastic paraplegia 4. Last evaluated: 2022-04-08. Review status: criteria provided, single submitter. Criteria: Invitae Variant Classification Sherloc (09022015). Collection method: clinical testing. Allele origin: germline.
Comment: In summary, the available evidence is currently insufficient to determine the role of this variant in disease. Therefore, it has been classified as a Variant of Uncertain Significance. This variant has not been reported in the literature in individuals affected with SPAST-related conditions. This variant results in a copy number gain of the genomic region encompassing exon(s) 1-5 of the SPAST gene. This region includes the initiator codon of the gene. This copy number gain extends beyond the assayed region for this gene and therefore may encompass additional genes. As the precise location of this event is unknown, it may be in tandem or it may be located elsewhere in the genome.

NC_000002.11:g.(?_32288901)_(32339914_?)dup

Gene: SPAST (spastin; plus strand). Cytogenetic location: 2p22.3.
Variant type: Duplication.
Identifiers: ClinVar variation 2426012 (VCV002426012.4).